The following is an entry in ClinVar:

NM_001136042.2(PTGES3L-AARSD1):c.120G>A (p.Ala40=)

Genes: PTGES3L (prostaglandin E synthase 3 like; minus strand), PTGES3L-AARSD1 (PTGES3L-AARSD1 readthrough; minus strand). Cytogenetic location: 17q21.31.
Variant type: single nucleotide variant.
Coding change: c.120G>A on transcript NM_001136042.2; coding-DNA position 120, G replaced by A.
Protein change: p.Ala40=; no amino-acid change (alanine 40 retained).
Molecular consequence: synonymous variant. On other transcripts: 5 prime UTR variant (3).
Genome position (GRCh38, 1-based): chr17:42,980,063, C>T on the plus strand (G>A on the coding strand, the complement: PTGES3L-AARSD1 is on the minus strand). VCF-style: chr17-42980063-C-T. GRCh37 (hg19) VCF-style: chr17-41132080-C-T.
Other names: c.-10G>A (NM_001142653.2, NM_001142654.2, NM_001261430.2).
Identifiers: ClinVar variation 2647807 (VCV002647807.24), dbSNP rs374042386, ClinGen allele CA8588496.

ClinVar aggregate classification (germline): Likely benign (1 of 4 stars; one submission).

Allele frequency attached by ClinVar (database versions not stated): 1000 Genomes Project 0.00060; 1000 Genomes Project 30x 0.00062; gnomAD 0.00401; ESP Exome Variant Server 0.00460; ExAC 0.00813.
gnomAD v4.1: 6,892 of 1,551,044 alleles (0.44%); highest among the groups gnomAD compares: Middle Eastern, 0.68%; 30 homozygotes.

Submission:

CeGaT Center for Human Genetics Tuebingen
Classification: Likely benign. Last evaluated: 2022-11-01. Review status: criteria provided, single submitter. Criteria: CeGaT Center For Human Genetics Tuebingen Variant Classification Criteria Version 2. Collection method: clinical testing. Allele origin: germline. Affected: yes. Observed: 1 variant allele.
Comment: PTGES3L-AARSD1: BP4, BP7, BS2